The following is an entry in ClinVar:

ClinVar aggregate classification (germline): Likely benign. Review status: criteria provided, single submitter (1 of 4 stars). 2 submissions from 2 submitters: Likely benign (1). 1 of the submissions does not count toward it. Last evaluated 2026-02-01.

Conditions:
LRP1B-related disorder. Also called: LRP1B-related condition.

Allele frequency attached by ClinVar (database versions not stated): ESP Exome Variant Server 0.00461; 1000 Genomes Project 30x 0.00234; 1000 Genomes Project 0.00260; ExAC 0.00319; TOPMed 0.00330; gnomAD exomes 0.00378.
gnomAD v4.1: 5,980 of 1,612,452 alleles (0.37%); highest among the groups gnomAD compares: Middle Eastern, 0.74%; 9 homozygotes.

Submissions (2):

CeGaT Center for Human Genetics Tuebingen
Classification: Likely benign. Last evaluated: 2026-02-01. Review status: criteria provided, single submitter. Criteria: CeGaT Center For Human Genetics Tuebingen Variant Classification Criteria Version 2. Collection method: clinical testing. Allele origin: germline. Affected: yes. Observed: 2 variant alleles.
Comment: LRP1B: BS2

PreventionGenetics, part of Exact Sciences
Classification: Benign for LRP1B-related condition. Last evaluated: 2019-05-13. Review status: no assertion criteria provided. Collection method: clinical testing. Allele origin: germline. Not counted in ClinVar's aggregate classification.
Comment: This variant is classified as benign based on ACMG/AMP sequence variant interpretation guidelines (Richards et al. 2015 PMID: 25741868, with internal and published modifications).

NM_018557.3(LRP1B):c.12047C>T (p.Pro4016Leu)

Gene: LRP1B (LDL receptor related protein 1B; minus strand). Cytogenetic location: 2q22.1.
Variant type: single nucleotide variant.
Coding change: c.12047C>T on transcript NM_018557.3 (MANE Select); coding-DNA position 12047, C replaced by T.
Protein change: p.Pro4016Leu; replaces proline 4016 with leucine.
Molecular consequence: missense variant.
Genome position (GRCh38, 1-based): chr2:140,335,684, G>A on the plus strand (C>T on the coding strand, the complement: LRP1B is on the minus strand). VCF-style: chr2-140335684-G-A. GRCh37 (hg19) VCF-style: chr2-141093253-G-A.
Other names: short protein forms P4016L.
Identifiers: ClinVar variation 3041476 (VCV003041476.16), dbSNP rs150957163, ClinGen allele CA1892935.